The following is an entry in ClinVar:

ClinVar aggregate classification (germline): Uncertain significance (1 of 4 stars; one submission).

Conditions:
Hereditary cancer-predisposing syndrome. Also called: Neoplastic Syndromes, Hereditary; Tumor predisposition; Hereditary neoplastic syndrome; Hereditary Cancer Syndrome. Identifiers: Orphanet 140162, MedGen C0027672, MeSH D009386, MONDO:0015356.

Submission:

Ambry Genetics
Classification: Uncertain significance for Hereditary cancer-predisposing syndrome. Last evaluated: 2026-07-06. Review status: criteria provided, single submitter. Criteria: Ambry Variant Classification Scheme 2023. Collection method: clinical testing. Allele origin: germline.
Comment: The p.C208F variant (also known as c.623G>T), located in coding exon 3 of the PHOX2B gene, results from a G to T substitution at nucleotide position 623. The cysteine at codon 208 is replaced by phenylalanine, an amino acid with highly dissimilar properties. This amino acid position is conserved. In addition, this alteration is predicted to be tolerated by in silico analysis. Based on the available evidence, the clinical significance of this variant remains unclear.

NM_003924.4(PHOX2B):c.623G>T (p.Cys208Phe)

Gene: PHOX2B (paired like homeobox 2B; minus strand). Cytogenetic location: 4p13.
Variant type: single nucleotide variant.
Coding change: c.623G>T on transcript NM_003924.4 (MANE Select); coding-DNA position 623, G replaced by T.
Protein change: p.Cys208Phe; replaces cysteine 208 with phenylalanine.
Molecular consequence: missense variant.
Genome position (GRCh38, 1-based): chr4:41,746,129, C>A on the plus strand (G>T on the coding strand, the complement: PHOX2B is on the minus strand). VCF-style: chr4-41746129-C-A. GRCh37 (hg19) VCF-style: chr4-41748146-C-A.
Other names: short protein forms C208F.
Identifiers: ClinVar variation 5026548 (VCV005026548.1).
Genomic context (GRCh38, chr4:41,746,129, plus strand): 5'-CCCGCCGCCCCCGGAGCTCCAGCCGGGCTGGGCCCGCCGCCGCCGCCTCCATTCGCCCCG[C>A]AGCTGGGGGTGGGGTTGGGATTGGGACCTGGGCCCCCAGTGCTGTCCGGGTCAGTGCTCT-3'
Protein context (NP_003915.2, residues 198-218): PGPNPNPTPS[Cys208Phe]GANGGGGGGP